The following is an entry in ClinVar:

NM_000082.4(ERCC8):c.19G>T (p.Ala7Ser)

Gene: ERCC8 (ERCC excision repair 8, CSA ubiquitin ligase complex subunit; minus strand). Cytogenetic location: 5q12.1.
Variant type: single nucleotide variant.
Coding change: c.19G>T on transcript NM_000082.4 (MANE Select); coding-DNA position 19, G replaced by T.
Protein change: p.Ala7Ser; replaces alanine 7 with serine.
Molecular consequence: missense variant. On other transcripts: 5 prime UTR variant (2).
Genome position (GRCh38, 1-based): chr5:60,944,990, C>A on the plus strand (G>T on the coding strand, the complement: ERCC8 is on the minus strand). VCF-style: chr5-60944990-C-A. GRCh37 (hg19) VCF-style: chr5-60240817-C-A.
Other names: p.Ala7Ser; c.-374G>T (NM_001007233.3); c.19G>T, p.Ala7Ser (NM_001007234.3); c.-359G>T (NM_001290285.2); short protein forms A7S.
Identifiers: ClinVar variation 4541047 (VCV004541047.1).

ClinVar aggregate classification (germline): Uncertain significance (1 of 4 stars; one submission).

Submission:

Mayo Clinic Laboratories, Mayo Clinic
Classification: Uncertain significance. Last evaluated: 2025-08-07. Review status: criteria provided, single submitter. Criteria: ACMG Guidelines, 2015. Collection method: clinical testing. Allele origin: germline. Observed: 1 variant allele.
Comment: BP4, PM2_supporting